The following is an entry in ClinVar:

NM_032043.3(BRIP1):c.438A>G (p.Ile146Met)

Gene: BRIP1 (BRCA1 interacting DNA helicase 1; minus strand). Cytogenetic location: 17q23.2.
Variant type: single nucleotide variant.
Coding change: c.438A>G on transcript NM_032043.3 (MANE Select); coding-DNA position 438, A replaced by G.
Protein change: p.Ile146Met; replaces isoleucine 146 with methionine.
Molecular consequence: missense variant.
Genome position (GRCh38, 1-based): chr17:61,849,198, T>C on the plus strand (A>G on the coding strand, the complement: BRIP1 is on the minus strand). VCF-style: chr17-61849198-T-C. GRCh37 (hg19) VCF-style: chr17-59926559-T-C.
Other names: short protein forms I146M.
Identifiers: ClinVar variation 824852 (VCV000824852.22), dbSNP rs886038702, ClinGen allele CA400484498.

ClinVar aggregate classification (germline): Uncertain significance. Review status: criteria provided, multiple submitters, no conflicts (2 of 4 stars). 5 submissions from 5 submitters: Uncertain significance (5). Last evaluated 2026-03-23.

Conditions:
Familial cancer of breast. Also called: Hereditary breast cancer; BREAST CANCER, FAMILIAL; hereditary breast carcinoma. Identifiers: Orphanet 227535, MedGen C0346153, MONDO:0016419, OMIM 114480. Disease mechanism: loss of function.
Fanconi anemia complementation group J. Also called: BRIP1-Related Fanconi Anemia. Identifiers: Orphanet 84, MedGen C1836860, MONDO:0012187, OMIM 609054.
Hereditary cancer-predisposing syndrome. Also called: Tumor predisposition; Neoplastic Syndromes, Hereditary; Hereditary neoplastic syndrome; Hereditary Cancer Syndrome. Identifiers: Orphanet 140162, MedGen C0027672, MeSH D009386, MONDO:0015356.

gnomAD v4.1: 1 of 1,613,000 alleles (0.000062%); highest among the groups gnomAD compares: African/African-American, 0.0013%; no homozygotes.

Submissions (5):

Ambry Genetics
Classification: Uncertain significance for Hereditary cancer-predisposing syndrome. Last evaluated: 2026-03-23. Review status: criteria provided, single submitter. Criteria: Ambry Variant Classification Scheme 2023. Collection method: clinical testing. Allele origin: germline.

Labcorp Genetics (formerly Invitae), Labcorp
Classification: Uncertain significance for Familial cancer of breast; Fanconi anemia complementation group J. Last evaluated: 2025-11-01. Review status: criteria provided, single submitter. Criteria: Invitae Variant Classification Sherloc (09022015). Collection method: clinical testing. Allele origin: germline.
Comment: This sequence change replaces isoleucine, which is neutral and non-polar, with methionine, which is neutral and non-polar, at codon 146 of the BRIP1 protein (p.Ile146Met). This variant is not present in population databases (gnomAD no frequency). This variant has not been reported in the literature in individuals affected with BRIP1-related conditions. ClinVar contains an entry for this variant (Variation ID: 824852). Invitae Evidence Modeling of protein sequence and biophysical properties (such as structural, functional, and spatial information, amino acid conservation, physicochemical variation, residue mobility, and thermodynamic stability) indicates that this missense variant is not expected to disrupt BRIP1 protein function with a negative predictive value of 95%. In summary, the available evidence is currently insufficient to determine the role of this variant in disease. Therefore, it has been classified as a Variant of Uncertain Significance.

KCCC/NGS Laboratory, Kuwait Cancer Control Center
Classification: Uncertain significance for Familial cancer of breast. Last evaluated: 2024-11-03. Review status: criteria provided, single submitter. Criteria: ACMG Guidelines, 2015. Collection method: clinical testing. Allele origin: germline. Inheritance: Autosomal dominant inheritance. Affected: yes. Observed: 1 heterozygote.
Comment: This sequence change replaces isoleucine, which is neutral and non-polar, with methionine, which is neutral and non-polar, at codon 146 of the BRIP1 protein (p.Ile146Met).This amino acid position is not conserved however, methionine is a reference amino acid in several species. This variant is not present in population databases (gnomAD no frequency). This variant has not been reported in the literature in individuals affected with BRIP1- related conditions. ClinVar contains an entry for this variant (Variation ID: 824852). In silico analysis supports that this missense variant does not alter protein structure/function. In summary, the available evidence is currently insufficient to determine the role of this variant in disease. Therefore, it has been classified as a Variant of Uncertain Significance. Pathogenic/likely pathogenic variants in the BRIP1 gene cause susceptibility to early-onset breast cancer (OMIM 114480).

Color Diagnostics, LLC DBA Color Health
Classification: Uncertain significance for Hereditary cancer-predisposing syndrome. Last evaluated: 2024-03-06. Review status: criteria provided, single submitter. Criteria: ACMG Guidelines, 2015. Collection method: clinical testing. Allele origin: germline.
Comment: This missense variant replaces isoleucine with methionine at codon 146 of the BRIP1 protein. Computational prediction suggests that this variant may not impact protein structure and function (internally defined REVEL score threshold <= 0.5, PMID: 27666373). To our knowledge, functional studies have not been reported for this variant. This variant has not been reported in individuals affected with hereditary cancer in the literature. This variant has not been identified in the general population by the Genome Aggregation Database (gnomAD). The available evidence is insufficient to determine the role of this variant in disease conclusively. Therefore, this variant is classified as a Variant of Uncertain Significance.

GeneDx
Classification: Uncertain significance. Last evaluated: 2023-01-27. Review status: criteria provided, single submitter. Criteria: GeneDx Variant Classification Process June 2021. Collection method: clinical testing. Allele origin: germline. Affected: yes.
Comment: Not observed at significant frequency in large population cohorts (gnomAD); In silico analysis supports that this missense variant does not alter protein structure/function; Has not been previously published as pathogenic or benign to our knowledge